The following is an entry in ClinVar:

NM_022489.4(INF2):c.3472A>G (p.Ser1158Gly)

Gene: INF2 (inverted formin 2; plus strand). Cytogenetic location: 14q32.33.
Variant type: single nucleotide variant.
Coding change: c.3472A>G on transcript NM_022489.4 (MANE Select); coding-DNA position 3472, A replaced by G.
Protein change: p.Ser1158Gly; replaces serine 1158 with glycine.
Molecular consequence: missense variant.
Genome position (GRCh38, 1-based): chr14:104,714,634, A>G. VCF-style: chr14-104714634-A-G. GRCh37 (hg19) VCF-style: chr14-105180971-A-G.
Other names: c.3472A>G, p.Ser1158Gly (NM_001031714.4); short protein forms S1158G.
Identifiers: ClinVar variation 947548 (VCV000947548.9), dbSNP rs1890207111, ClinGen allele CA391224736.

ClinVar aggregate classification (germline): Uncertain significance (1 of 4 stars; one submission).

Conditions:
Focal segmental glomerulosclerosis 5 (FSGS5). Identifiers: Orphanet 656, MedGen C2750475, MONDO:0013191, OMIM 613237.
Charcot-Marie-Tooth disease dominant intermediate E. Also called: CHARCOT-MARIE-TOOTH NEUROPATHY WITH FOCAL SEGMENTAL GLOMERULONEPHRITIS. Identifiers: Orphanet 93114, MedGen C4302667, MONDO:0013758, OMIM 614455.

Submission:

Labcorp Genetics (formerly Invitae), Labcorp
Classification: Uncertain significance for Charcot-Marie-Tooth disease dominant intermediate E; Focal segmental glomerulosclerosis 5. Last evaluated: 2022-06-04. Review status: criteria provided, single submitter. Criteria: Invitae Variant Classification Sherloc (09022015). Collection method: clinical testing. Allele origin: germline.
Comment: In summary, the available evidence is currently insufficient to determine the role of this variant in disease. Therefore, it has been classified as a Variant of Uncertain Significance. Algorithms developed to predict the effect of missense changes on protein structure and function output the following: SIFT: "Tolerated"; PolyPhen-2: "Not Available"; Align-GVGD: "Class C0". The glycine amino acid residue is found in multiple mammalian species, which suggests that this missense change does not adversely affect protein function. ClinVar contains an entry for this variant (Variation ID: 947548). This variant has not been reported in the literature in individuals affected with INF2-related conditions. This variant is not present in population databases (gnomAD no frequency). This sequence change replaces serine, which is neutral and polar, with glycine, which is neutral and non-polar, at codon 1158 of the INF2 protein (p.Ser1158Gly).